The following is an entry in ClinVar:

NM_017780.4(CHD7):c.1984_1985insGGCCGGGCGCGGTGGCTCACGCCTGTAATCCCAGCACTTTGGGAGGCCGAGGCGGGTGGATCACGAGGTCAGGAGATCGAGACCATCCCGGNNNNNNNNNNAAAAAAAAAAAAAAAAAAAAAAAGAACCCAAGGAGA (p.Lys662fs)

Genes: CHD7 (chromodomain helicase DNA binding protein 7; plus strand), LOC126860403 (CDK7 strongly-dependent group 2 enhancer GRCh37_chr8:61693034-61694233; plus strand). Cytogenetic location: 8q12.2.
Variant type: Insertion.
Coding change: c.1984_1985insGGCCGGGCGCGGTGGCTCACGCCTGTAATCCCAGCACTTTGGGAGGCCGAGGCGGGTGGATCACGAGGTCAGGAGATCGAGACCATCCCGGNNNNNNNNNNAAAAAAAAAAAAAAAAAAAAAAAGAACCCAAGGAGA on transcript NM_017780.4 (MANE Select); coding-DNA positions 1984 to 1985, GGCCGGGCGCGGTGGCTCACGCCTGTAATCCCAGCACTTTGGGAGGCCGAGGCGGGTGGATCACGAGGTCAGGAGATCGAGACCATCCCGGNNNNNNNNNNAAAAAAAAAAAAAAAAAAAAAAAGAACCCAAGGAGA inserted.
Protein change: p.Lys662fs; shifts the reading frame from lysine 662.
Molecular consequence: frameshift variant. On other transcripts: intron variant (1).
Genome position: GRCh38: chr8:60,781,318-60,781,319. GRCh37 (hg19): chr8:61,693,877-61,693,878.
Other names: c.1716+268_1716+269insGGCCGGGCGCGGTGGCTCACGCCTGTAATCCCAGCACTTTGGGAGGCCGAGGCGGGTGGATCACGAGGTCAGGAGATCGAGACCATCCCGGNNNNNNNNNNAAAAAAAAAAAAAAAAAAAAAAAGAACCCAAGGAGA (NM_001316690.1); short protein forms K662fs.
Identifiers: ClinVar variation 1068670 (VCV001068670.2), dbSNP rs2150669923.

ClinVar aggregate classification (germline): Pathogenic (1 of 4 stars; one submission).

Conditions:
CHARGE syndrome (CHARGE). Also called: Hittner Hirsch Kreh syndrome; CHARGE ASSOCIATION--COLOBOMA, HEART ANOMALY, CHOANAL ATRESIA, RETARDATION, GENITAL AND EAR ANOMALIES; Coloboma, heart anomaly, choanal atresia, retardation, genital and ear anomalies; CHARGE association; Hall-Hittner syndrome. Identifiers: Orphanet 138, MedGen C0265354, MONDO:0008965.

Submission:

Labcorp Genetics (formerly Invitae), Labcorp
Classification: Pathogenic for CHARGE syndrome. Last evaluated: 2020-03-19. Review status: criteria provided, single submitter. Criteria: Invitae Variant Classification Sherloc (09022015). Collection method: clinical testing. Allele origin: germline.
Comment: This sequence change inserts a large fragment of DNA, likely a transposable element, in exon 3 of the CHD7 gene (c.1984_1985insSVA), causing a frameshift at codon 662 (p.Lys662fs). The exact size and sequence of the insertion cannot be determined by the current assay. However, the insertion is expected to result in an absent or disrupted protein product. This variant has not been reported in the literature in individuals with CHD7-related conditions. Algorithms developed to predict the effect of sequence changes on RNA splicing suggest that this variant may create or strengthen a splice site, but this prediction has not been confirmed by published transcriptional studies. Retrotransposon insertions including LINE1 (L1), Alu, and SVA (SINE-VNTR-Alu) have been reported to be disease-causing through disruption of either a coding region or splice site (PMID: 19763152, 20307669, 22406018) and loss-of-function variants in CHD7 are known to be pathogenic (PMID: 22461308, 25077900). For these reasons, this variant has been classified as Pathogenic.

Literature cited by the submitters: PubMed 19763152; PubMed 20307669; PubMed 22406018; PubMed 22461308; PubMed 25077900.